The following is an entry in ClinVar:

NM_000553.6(WRN):c.2227del (p.Thr743fs)

Gene: WRN (WRN RecQ like helicase; plus strand). Cytogenetic location: 8p12.
Variant type: Deletion.
Coding change: c.2227del on transcript NM_000553.6 (MANE Select); coding-DNA position 2227, one base deleted (A; older notation c.2227delA).
Protein change: p.Thr743fs; shifts the reading frame from threonine 743.
Molecular consequence: frameshift variant.
Genome position (GRCh38, 1-based): chr8:31,111,753, A deleted; the last of 5 consecutive A bases (chr8:31,111,749-31,111,753); deleting any one gives the same sequence. VCF-style (leftmost placement, unchanged base first): chr8-31111748-GA-G. GRCh37 (hg19) VCF-style: chr8-30969264-GA-G.
Other names: short protein forms T743fs.
Identifiers: ClinVar variation 1446178 (VCV001446178.8), dbSNP rs2130284286, ClinGen allele CA2573142657.

ClinVar aggregate classification (germline): Pathogenic/Likely pathogenic. Review status: criteria provided, multiple submitters, no conflicts (2 of 4 stars). 2 submissions from 2 submitters: Pathogenic (1); Likely pathogenic (1). Last evaluated 2025-08-04.

Conditions:
Werner syndrome (WRN). Identifiers: Orphanet 902, MedGen C0043119, MONDO:0010196, OMIM 277700.

Submissions (2):

Labcorp Genetics (formerly Invitae), Labcorp
Classification: Pathogenic for Werner syndrome. Last evaluated: 2025-08-04. Review status: criteria provided, single submitter. Criteria: Invitae Variant Classification Sherloc (09022015). Collection method: clinical testing. Allele origin: germline.
Comment: This sequence change creates a premature translational stop signal (p.Thr743Glnfs*34) in the WRN gene. It is expected to result in an absent or disrupted protein product. Loss-of-function variants in WRN are known to be pathogenic (PMID: 16673358). This variant is not present in population databases (gnomAD no frequency). This variant has not been reported in the literature in individuals affected with WRN-related conditions. ClinVar contains an entry for this variant (Variation ID: 1446178). For these reasons, this variant has been classified as Pathogenic.

Juno Genomics, Hangzhou Juno Genomics, Inc
Classification: Likely pathogenic for Werner syndrome. Review status: criteria provided, single submitter. Criteria: ACMG Guidelines, 2015. Collection method: clinical testing. Allele origin: germline.
Comment: Null variant in a gene where loss of function (LOF) is a known mechanism of disease.;Absent from controls (or at extremely low frequency if recessive) in Genome Aggregation Database.

Literature cited by the submitters: PubMed 16673358 (cited by Labcorp Genetics (formerly Invitae), Labcorp).